The following is an entry in ClinVar:

NM_001429.4(EP300):c.6967C>T (p.Pro2323Ser)

Gene: EP300 (EP300 lysine acetyltransferase; plus strand). Cytogenetic location: 22q13.2.
Variant type: single nucleotide variant.
Coding change: c.6967C>T on transcript NM_001429.4 (MANE Select); coding-DNA position 6967, C replaced by T.
Protein change: p.Pro2323Ser; replaces proline 2323 with serine.
Molecular consequence: missense variant.
Genome position (GRCh38, 1-based): chr22:41,178,678, C>T. VCF-style: chr22-41178678-C-T. GRCh37 (hg19) VCF-style: chr22-41574682-C-T.
Other names: c.6889C>T, p.Pro2297Ser (NM_001362843.2); c.6967C>T (NM_001429.3); short protein forms P2323S, P2297S.
Identifiers: ClinVar variation 1397869 (VCV001397869.10), dbSNP rs201369756, ClinGen allele CA10253993.

ClinVar aggregate classification (germline): Conflicting classifications of pathogenicity. Review status: criteria provided, conflicting classifications (1 of 4 stars). 2 submissions from 2 submitters: Uncertain significance (1); Benign (1). Last evaluated 2025-08-19.

Conditions:
Rubinstein-Taybi syndrome due to EP300 haploinsufficiency. Also called: RUBINSTEIN-TAYBI SYNDROME 2; EP300-Related Rubinstein-Taybi Syndrome. Identifiers: Orphanet 353284, Orphanet 783, MedGen C3150941, MONDO:0013364, OMIM 613684.
EP300-related disorder. Also called: EP300-related disorders; EP300-related condition.

Allele frequency attached by ClinVar (database versions not stated): gnomAD 0.00001; TOPMed 0.00002; ESP Exome Variant Server 0.00008.
gnomAD v4.1: 46 of 1,614,082 alleles (0.0028%); highest among the groups gnomAD compares: Non-Finnish European, 0.0037%; no homozygotes.

Submissions (2):

PreventionGenetics, part of Exact Sciences
Classification: Uncertain significance for EP300-related condition. Last evaluated: 2025-08-19. Review status: criteria provided, single submitter. Criteria: ACMG Guidelines, 2015. Collection method: clinical testing. Allele origin: germline.
Comment: The EP300 c.6967C>T variant is predicted to result in the amino acid substitution p.Pro2323Ser. To our knowledge, this variant has not been reported in the literature. This variant is reported in 0.0062% of alleles in individuals of African descent in gnomAD. At this time, the clinical significance of this variant is uncertain due to the absence of conclusive functional and genetic evidence.

Labcorp Genetics (formerly Invitae), Labcorp
Classification: Benign for Rubinstein-Taybi syndrome due to EP300 haploinsufficiency. Last evaluated: 2022-06-27. Review status: criteria provided, single submitter. Criteria: Invitae Variant Classification Sherloc (09022015). Collection method: clinical testing. Allele origin: germline.